The following is an entry in ClinVar:

NM_001605.3(AARS1):c.1579G>A (p.Val527Met)

Gene: AARS1 (alanyl-tRNA synthetase 1; minus strand). Cytogenetic location: 16q22.1.
Variant type: single nucleotide variant.
Coding change: c.1579G>A on transcript NM_001605.3 (MANE Select); coding-DNA position 1579, G replaced by A.
Protein change: p.Val527Met; replaces valine 527 with methionine.
Molecular consequence: missense variant.
Genome position (GRCh38, 1-based): chr16:70,262,438, C>T on the plus strand (G>A on the coding strand, the complement: AARS1 is on the minus strand). VCF-style: chr16-70262438-C-T. GRCh37 (hg19) VCF-style: chr16-70296341-C-T.
Other names: short protein forms V527M.
Identifiers: ClinVar variation 2967578 (VCV002967578.3), dbSNP rs778352731, ClinGen allele CA8140753.
Genomic context (GRCh38, chr16:70,262,438, plus strand): 5'-AGCCTTCGTCATAGATCTGGCCTCCTTGCTCAGCATAGAAACAGGTCTTGTCCAGCACCA[C>T]TCCACACTCCTGGCCTGTGGACACCTCTTCCACGAACATCTTCTCCCTGCGCAGAGCCAT-3'
Protein context (NP_001596.2, residues 517-537): EEVSTGQECG[Val527Met]VLDKTCFYAE

ClinVar aggregate classification (germline): Uncertain significance (1 of 4 stars; one submission).

Conditions:
Charcot-Marie-Tooth disease type 2. Also called: Charcot-Marie-Tooth type 2. Identifiers: Orphanet 64746, MedGen C0270914, MONDO:0018993.

Allele frequency attached by ClinVar (database versions not stated): TOPMed 0.00001; ExAC 0.00001; gnomAD 0.00001; gnomAD exomes 0.00001.
gnomAD v4.1: 4 of 1,614,114 alleles (0.00025%); highest among the groups gnomAD compares: Admixed American, 0.0017%; no homozygotes.

Submission:

Labcorp Genetics (formerly Invitae), Labcorp
Classification: Uncertain significance for Charcot-Marie-Tooth disease type 2. Last evaluated: 2024-02-17. Review status: criteria provided, single submitter. Criteria: Invitae Variant Classification Sherloc (09022015). Collection method: clinical testing. Allele origin: germline.
Comment: This sequence change replaces valine, which is neutral and non-polar, with methionine, which is neutral and non-polar, at codon 527 of the AARS protein (p.Val527Met). This variant is present in population databases (rs778352731, gnomAD 0.003%). This variant has not been reported in the literature in individuals affected with AARS-related conditions. Advanced modeling of protein sequence and biophysical properties (such as structural, functional, and spatial information, amino acid conservation, physicochemical variation, residue mobility, and thermodynamic stability) performed at Invitae indicates that this missense variant is not expected to disrupt AARS protein function with a negative predictive value of 95%. In summary, the available evidence is currently insufficient to determine the role of this variant in disease. Therefore, it has been classified as a Variant of Uncertain Significance.